The following is an entry in ClinVar:

NM_001278.5(CHUK):c.51G>A (p.Met17Ile)

Genes: CHUK (component of inhibitor of nuclear factor kappa B kinase complex; minus strand), LOC130004523 (ATAC-STARR-seq lymphoblastoid silent region 2704; plus strand). Cytogenetic location: 10q24.31.
Variant type: single nucleotide variant.
Coding change: c.51G>A on transcript NM_001278.5 (MANE Select); coding-DNA position 51, G replaced by A.
Protein change: p.Met17Ile; replaces methionine 17 with isoleucine.
Molecular consequence: missense variant.
Genome position (GRCh38, 1-based): chr10:100,229,482, C>T on the plus strand (G>A on the coding strand, the complement: CHUK is on the minus strand). VCF-style: chr10-100229482-C-T. GRCh37 (hg19) VCF-style: chr10-101989239-C-T.
Other names: c.51G>A, p.Met17Ile (NM_001320928.2); c.51G>A (NM_001278.3); short protein forms M17I.
Identifiers: ClinVar variation 1907923 (VCV001907923.4), dbSNP rs768285906, ClinGen allele CA5646785.

ClinVar aggregate classification (germline): Uncertain significance. Review status: criteria provided, multiple submitters, no conflicts (2 of 4 stars). 2 submissions from 2 submitters: Uncertain significance (2). Last evaluated 2025-11-30.

Conditions:
Inborn genetic diseases. Identifiers: MedGen C0950123, MeSH D030342.

Allele frequency attached by ClinVar (database versions not stated): TOPMed below 0.00001; gnomAD 0.00001; gnomAD exomes 0.00002; ExAC 0.00003.

Submissions (2):

Labcorp Genetics (formerly Invitae), Labcorp
Classification: Uncertain significance. Last evaluated: 2025-11-30. Review status: criteria provided, single submitter. Criteria: Invitae Variant Classification Sherloc (09022015). Collection method: clinical testing. Allele origin: germline.
Comment: This sequence change replaces methionine, which is neutral and non-polar, with isoleucine, which is neutral and non-polar, at codon 17 of the CHUK protein (p.Met17Ile). This variant is present in population databases (rs768285906, gnomAD 0.004%). This variant has not been reported in the literature in individuals affected with CHUK-related conditions. ClinVar contains an entry for this variant (Variation ID: 1907923). An algorithm developed to predict the effect of missense changes on protein structure and function (PolyPhen-2) suggests that this variant is likely to be tolerated. In summary, the available evidence is currently insufficient to determine the role of this variant in disease. Therefore, it has been classified as a Variant of Uncertain Significance.

Ambry Genetics
Classification: Uncertain significance for Inborn genetic diseases. Last evaluated: 2024-05-28. Review status: criteria provided, single submitter. Criteria: Ambry Variant Classification Scheme 2023. Collection method: clinical testing. Allele origin: germline.